The following is an entry in ClinVar:

NM_003072.5(SMARCA4):c.3065C>T (p.Ser1022Phe)

Gene: SMARCA4 (SWI/SNF related BAF chromatin remodeling complex subunit ATPase 4; plus strand). Cytogenetic location: 19p13.2.
Variant type: single nucleotide variant.
Coding change: c.3065C>T on transcript NM_003072.5 (MANE Select); coding-DNA position 3065, C replaced by T.
Protein change: p.Ser1022Phe; replaces serine 1022 with phenylalanine.
Molecular consequence: missense variant. On other transcripts: non-coding transcript variant (1).
Genome position (GRCh38, 1-based): chr19:11,024,422, C>T. VCF-style: chr19-11024422-C-T. GRCh37 (hg19) VCF-style: chr19-11135098-C-T.
Other names: c.3065C>T, p.Ser1022Phe (NM_001128844.3, NM_001128845.2, NM_001128846.2 and 4 more transcripts); short protein forms S1022F.
Identifiers: ClinVar variation 936642 (VCV000936642.9), dbSNP rs2090102305, ClinGen allele CA404059075.
Genomic context (GRCh38, chr19:11,024,422, plus strand): 5'-CGCTGCAGCGAGTGCTCTACCGCCACATGCAGGCCAAGGGCGTGCTGCTGACTGATGGCT[C>T]CGAGAAGGACAAGAAGGTGGGCCCCAGAGTCCCCCAACTGCATTCCCCACTGGGTGTCCA-3'
Protein context (NP_003063.2, residues 1012-1032): QAKGVLLTDG[Ser1022Phe]EKDKKGKGGT

ClinVar aggregate classification (germline): Uncertain significance (1 of 4 stars; one submission).

Conditions:
Rhabdoid tumor predisposition syndrome 2 (RTPS2). Identifiers: Orphanet 231108, Orphanet 69077, MedGen C2750074, MONDO:0013224, OMIM 613325.

Submission:

Labcorp Genetics (formerly Invitae), Labcorp
Classification: Uncertain significance for Rhabdoid tumor predisposition syndrome 2. Last evaluated: 2019-06-12. Review status: criteria provided, single submitter. Criteria: Invitae Variant Classification Sherloc (09022015). Collection method: clinical testing. Allele origin: germline.
Comment: This sequence change replaces serine with phenylalanine at codon 1022 of the SMARCA4 protein (p.Ser1022Phe). The serine residue is highly conserved and there is a large physicochemical difference between serine and phenylalanine. This variant is not present in population databases (ExAC no frequency). This variant has not been reported in the literature in individuals with SMARCA4-related conditions. Algorithms developed to predict the effect of missense changes on protein structure and function are either unavailable or do not agree on the potential impact of this missense change (SIFT: "Deleterious"; PolyPhen-2: "Probably Damaging"; Align-GVGD: "Class C15"). In summary, the available evidence is currently insufficient to determine the role of this variant in disease. Therefore, it has been classified as a Variant of Uncertain Significance.